The following is an entry in ClinVar:

ClinVar aggregate classification (germline): Pathogenic. Review status: criteria provided, multiple submitters, no conflicts (2 of 4 stars). 6 submissions from 5 submitters: Pathogenic (6). Last evaluated 2025-02-17.

Conditions:
Rare genetic deafness. Identifiers: Orphanet 96210, MedGen C5680250.
Retinitis pigmentosa 39 (RP39). Identifiers: Orphanet 791, MedGen C3151138, MONDO:0013436, OMIM 613809.
Usher syndrome type 2A. Also called: RETINAL DISEASE IN USHER SYNDROME TYPE IIA, MODIFIER OF; USHER SYNDROME, TYPE IIA. Identifiers: Orphanet 231178, Orphanet 886, MedGen C1848634, MONDO:0010169, OMIM 276901.

Allele frequency attached by ClinVar (database versions not stated): gnomAD exomes below 0.00001.

Submissions (6):

Labcorp Genetics (formerly Invitae), Labcorp
Classification: Pathogenic. Last evaluated: 2025-02-17. Review status: criteria provided, single submitter. Criteria: Invitae Variant Classification Sherloc (09022015). Collection method: clinical testing. Allele origin: germline.
Comment: This sequence change creates a premature translational stop signal (p.Ala4678Serfs*5) in the USH2A gene. It is expected to result in an absent or disrupted protein product. Loss-of-function variants in USH2A are known to be pathogenic (PMID: 10729113, 10909849, 20507924, 25649381). This variant is not present in population databases (gnomAD no frequency). This premature translational stop signal has been observed in individual(s) with Usher syndrome (PMID: 25211151). This variant is also known as c.14031_14032insA. ClinVar contains an entry for this variant (Variation ID: 48426). For these reasons, this variant has been classified as Pathogenic.

Natera, Inc.
Classification: Pathogenic for Usher syndrome type 2A. Last evaluated: 2024-08-18. Review status: criteria provided, single submitter. Criteria: Natera Variant Classification Schema (03/2026). Collection method: clinical testing. Allele origin: germline.
Comment: The c.14031dup variant in USH2A is a frameshift variant predicted to shift the reading frame beginning at codon 4678 and leads to a stop codon 5 codons downstream. This variant is expected to result in nonsense mediated decay, truncation, or a dysfunctional protein product. This variant is rare in the general population with a frequency below the threshold expected for the associated phenotype(s). This variant has been observed in one or more individuals affected with the associated recessive disease, as either homozygous or compound heterozygous with a second variant (PMID: 25211151). Given the available evidence, this variant is classified as Pathogenic.

Genome-Nilou Lab
Classification: Pathogenic for Retinitis pigmentosa 39. Last evaluated: 2023-11-04. Review status: criteria provided, single submitter. Criteria: ACMG Guidelines, 2015. Collection method: clinical testing. Allele origin: germline. Affected: no.

Genome-Nilou Lab
Classification: Pathogenic for Usher syndrome type 2A. Last evaluated: 2023-11-04. Review status: criteria provided, single submitter. Criteria: ACMG Guidelines, 2015. Collection method: clinical testing. Allele origin: germline. Affected: no.

Fulgent Genetics
Classification: Pathogenic for Usher syndrome type 2A; Retinitis pigmentosa 39. Last evaluated: 2021-08-06. Review status: criteria provided, single submitter. Criteria: ACMG Guidelines, 2015. Collection method: clinical testing. Allele origin: unknown.

Laboratory for Molecular Medicine, Mass General Brigham Personalized Medicine
Classification: Pathogenic for Rare genetic deafness. Last evaluated: 2012-11-05. Review status: criteria provided, single submitter. Criteria: LMM Criteria. Collection method: clinical testing. Allele origin: germline. Inheritance: Autosomal recessive inheritance. Observed: 1 variant allele.
Comment: The Ala4678fs variant in USH2A has not reported in the literature nor previously identified by our laboratory. This frameshift variant is predicted to alter the protein?s amino acid sequence beginning at position 4678 and lead to a prematur e termination codon 5 amino acids downstream. This alteration is then predicted to lead to a truncated or absent protein. In summary, this variant meets our cri teria to be classified as pathogenic.

Literature cited by the submitters: PubMed 10729113 (cited by Labcorp Genetics (formerly Invitae), Labcorp); PubMed 10909849 (cited by Labcorp Genetics (formerly Invitae), Labcorp); PubMed 20507924 (cited by Labcorp Genetics (formerly Invitae), Labcorp); PubMed 25649381 (cited by Labcorp Genetics (formerly Invitae), Labcorp); PubMed 25211151 (cited by Labcorp Genetics (formerly Invitae), Labcorp and Natera, Inc.).

NM_206933.4(USH2A):c.14031dup (p.Ala4678fs)

Gene: USH2A (usherin; minus strand). Cytogenetic location: 1q41.
Variant type: Duplication.
Coding change: c.14031dup on transcript NM_206933.4 (MANE Select); coding-DNA position 14031, one base duplicated (A; older notation c.14031dupA).
Protein change: p.Ala4678fs; shifts the reading frame from alanine 4678.
Genome position (GRCh38, 1-based): chr1:215,671,074, T duplicated on the plus strand (A on the coding strand, the reverse complement: USH2A is on the minus strand). VCF-style (leftmost placement, unchanged base first): chr1-215671073-C-CT. GRCh37 (hg19) VCF-style: chr1-215844415-C-CT.
Other names: NM_206933.2:c.14031dupA; p.Ala4678SerfsX5; c.14031_14032insA (NM_206933.2); short protein forms A4678fs.
Identifiers: ClinVar variation 48426 (VCV000048426.16), dbSNP rs397517988, ClinGen allele CA262088.